The following is an entry in ClinVar:

NM_001101.5(ACTB):c.986dup (p.Ile330fs)

Gene: ACTB (actin beta; minus strand). Cytogenetic location: 7p22.1.
Variant type: Duplication.
Coding change: c.986dup on transcript NM_001101.5 (MANE Select); coding-DNA position 986, one base duplicated (T; older notation c.986dupT).
Protein change: p.Ile330fs; shifts the reading frame from isoleucine 330.
Molecular consequence: frameshift variant.
Genome position (GRCh38, 1-based): chr7:5,527,890, A duplicated on the plus strand (T on the coding strand, the reverse complement: ACTB is on the minus strand). VCF-style (leftmost placement, unchanged base first): chr7-5527889-G-GA. GRCh37 (hg19) VCF-style: chr7-5567520-G-GA.
Other names: short protein forms I330fs.
Identifiers: ClinVar variation 3897588 (VCV003897588.1).

ClinVar aggregate classification (germline): Likely pathogenic (1 of 4 stars; one submission).

Conditions:
Intellectual disability. Also called: Intellectual functioning disability; intellectual disabilities; Intellectual developmental disorder. Identifiers: MedGen C3714756, MeSH D008607, MONDO:0001071, HP:0001249.

Submission:

Genetics Laboratory, UDIAT-Centre Diagnòstic, Hospital Universitari Parc Tauli
Classification: Likely pathogenic for intellectual disability. Last evaluated: 2022-09-06. Review status: criteria provided, single submitter. Criteria: ACMG Guidelines, 2015. Collection method: clinical testing. Allele origin: unknown. Inheritance: Autosomal dominant inheritance. Affected: yes.
Comment: PVS1_very strong;PM2_supporting